The following is an entry in ClinVar:

NM_000138.5(FBN1):c.6322C>T (p.Arg2108Cys)

Gene: FBN1 (fibrillin 1; minus strand). Cytogenetic location: 15q21.1.
Variant type: single nucleotide variant.
Coding change: c.6322C>T on transcript NM_000138.5 (MANE Select); coding-DNA position 6322, C replaced by T.
Protein change: p.Arg2108Cys; replaces arginine 2108 with cysteine.
Molecular consequence: missense variant.
Genome position (GRCh38, 1-based): chr15:48,437,379, G>A on the plus strand (C>T on the coding strand, the complement: FBN1 is on the minus strand). VCF-style: chr15-48437379-G-A. GRCh37 (hg19) VCF-style: chr15-48729576-G-A.
Other names: short protein forms R2108C.
Identifiers: ClinVar variation 549339 (VCV000549339.20), dbSNP rs1246984265, ClinGen allele CA392336851.

ClinVar aggregate classification (germline): Conflicting classifications of pathogenicity. Review status: criteria provided, conflicting classifications (1 of 4 stars). 8 submissions from 8 submitters: Pathogenic (2); Likely pathogenic (3); Uncertain significance (1). 2 of the submissions do not count toward it. Last evaluated 2026-06-08.

Conditions:
Familial thoracic aortic aneurysm and aortic dissection (TAAD). Also called: Thoracic aortic aneurysms and dissections. Identifiers: Orphanet 91387, MedGen C4707243, MONDO:0019625.
Marfan syndrome (MFS). Also called: MARFAN SYNDROME, TYPE I; Marfan's syndrome; Marfan syndrome type 1; Marfan syndrome, classic; FBN1-Related Marfan Syndrome. Identifiers: Orphanet 284963, Orphanet 558, MedGen C0024796, MONDO:0007947, OMIM 154700.

Allele frequency attached by ClinVar (database versions not stated): TOPMed 0.00001.
gnomAD v4.1: 4 of 1,612,818 alleles (0.00025%); highest among the groups gnomAD compares: African/African-American, 0.0013%; no homozygotes.

Submissions (8):

Ambry Genetics
Classification: Likely pathogenic for Familial thoracic aortic aneurysm and aortic dissection. Last evaluated: 2026-06-08. Review status: criteria provided, single submitter. Criteria: Ambry Variant Classification Scheme 2023. Collection method: clinical testing. Allele origin: germline.
Comment: The p.R2108C variant (also known as c.6322C>T), located in coding exon 51 of the FBN1 gene, results from a C to T substitution at nucleotide position 6322. The arginine at codon 2108 is replaced by cysteine, an amino acid with highly dissimilar properties. This variant was reported in individual(s) with features consistent with Marfan syndrome and related fibrillinopathies; in at least one individual, it was determined to be de novo (Han D et al. Mol Genet Genomic Med, 2024 Jul;12:e2482; Chen ZX et al. Hum Mutat, 2021 Dec;42:1637-1647; external communication). This amino acid position is well conserved in available vertebrate species. In addition, this alteration is predicted to be deleterious by in silico analysis. This variant is considered to be rare based on population cohorts in the Genome Aggregation Database (gnomAD). Based on the majority of available evidence to date, this variant is likely to be pathogenic.

Labcorp Genetics (formerly Invitae), Labcorp
Classification: Pathogenic for Marfan syndrome; Familial thoracic aortic aneurysm and aortic dissection. Last evaluated: 2026-01-08. Review status: criteria provided, single submitter. Criteria: Invitae Variant Classification Sherloc (09022015). Collection method: clinical testing. Allele origin: germline.
Comment: This sequence change replaces arginine, which is basic and polar, with cysteine, which is neutral and slightly polar, at codon 2108 of the FBN1 protein (p.Arg2108Cys). This variant is not present in population databases (gnomAD no frequency). This missense change has been observed in individual(s) with clinical features of FBN1-related conditions (PMID: 27906200, 34281902, 34550612; internal data). In at least one individual the variant was observed to be de novo. ClinVar contains an entry for this variant (Variation ID: 549339). Invitae Evidence Modeling of protein sequence and biophysical properties (such as structural, functional, and spatial information, amino acid conservation, physicochemical variation, residue mobility, and thermodynamic stability) indicates that this missense variant is expected to disrupt FBN1 protein function with a positive predictive value of 80%. For these reasons, this variant has been classified as Pathogenic.

Clinical Biomedical Laboratory, Shriners Hospital For Children - Canada
Classification: Likely pathogenic for Marfan syndrome. Last evaluated: 2025-10-05. Review status: criteria provided, single submitter. Criteria: ACMG Guidelines, 2015. Collection method: clinical testing. Allele origin: germline. Affected: yes.
Comment: This variant is predicted to change an arginine residue in FBN1 to a cysteine residue. This variant is absent from the Genome Aggregation Database (v2.1.1). Prediction algorithms support that the variant has a disease-causing effect (REVEL score: 0.653).

GeneDx
Classification: Pathogenic. Last evaluated: 2025-07-24. Review status: criteria provided, single submitter. Criteria: GeneDx Variant Classification Process June 2021. Collection method: clinical testing. Allele origin: germline. Affected: yes.
Comment: Reported in an FBN1 database in an individual diagnosed with incomplete Marfan syndrome (PMID: 27906200); Affects a cysteine residue within a TGF-binding protein domain (aka TB domain or 8-Cysteine domain) and is expected to disrupt disulfide bonding within this domain; other missense substitutions that affect cysteine residues within TGF-binding protein domains have been reported in association with FBN1-related disorders (PMIDs: 8281141, 21175431, 7622614; HGMD); In silico analysis supports that this missense variant has a deleterious effect on protein structure/function; Not observed at significant frequency in large population cohorts (gnomAD); This variant is associated with the following publications: (PMID: 34818515, 34550612, 8281141, 21175431, 7622614, 38958168, 27906200, 34281902)

Blueprint Genetics
Classification: Uncertain significance. Last evaluated: 2022-01-25. Review status: criteria provided, single submitter. Criteria: ACMG Guidelines, 2015. Collection method: clinical testing. Allele origin: germline.

Juno Genomics, Hangzhou Juno Genomics, Inc
Classification: Likely pathogenic for Marfan syndrome. Review status: criteria provided, single submitter. Criteria: ACMG Guidelines, 2015. Collection method: clinical testing. Allele origin: germline.
Comment: Absent from controls (or at extremely low frequency if recessive) in Genome Aggregation Database.;Missense variant in a gene that has a low rate of benign missense variation.;The prevalence of the variant in affected individuals is significantly increased compared to the prevalence in controls.;Patient's phenotype or family history is highly specific for a disease with a single genetic etiology.;Located in a mutational hot spot and/or critical and well-established functional domain without benign variation.

Center for Medical Genetics Ghent, University of Ghent
Classification: Likely pathogenic for Marfan syndrome. Last evaluated: 2017-11-07. Review status: no assertion criteria provided. Collection method: clinical testing. Allele origin: germline. Affected: yes. Not counted in ClinVar's aggregate classification.

All of Us Research Program, National Institutes of Health
Classification: Uncertain significance for Marfan syndrome. Last evaluated: 2023-07-07. Review status: flagged submission. Criteria: ACMG Guidelines, 2015. Collection method: clinical testing. Allele origin: germline. Inheritance: Autosomal dominant inheritance. Observed: 1 variant allele, 1 heterozygote. Not counted in ClinVar's aggregate classification.
Comment: This study involves interpretation of variants in research participants for the purpose of population health screening. Participant phenotype was not available at the time of variant classification. Additional details can be found in publication PMID: 35346344, PMCID: PMC8962531
ClinVar note: Reason: Outlier claim with insufficient supporting evidence

Literature cited by the submitters: PubMed 27906200 (cited by Labcorp Genetics (formerly Invitae), Labcorp); PubMed 34281902 (cited by Labcorp Genetics (formerly Invitae), Labcorp); PubMed 34550612 (cited by Labcorp Genetics (formerly Invitae), Labcorp).